The following is an entry in ClinVar:

NM_000308.4(CTSA):c.1019dup (p.Tyr340Ter)

Gene: CTSA (cathepsin A; plus strand). Cytogenetic location: 20q13.12.
Variant type: Duplication.
Coding change: c.1019dup on transcript NM_000308.4 (MANE Select); coding-DNA position 1019, one base duplicated (A; older notation c.1019dupA).
Protein change: p.Tyr340Ter; replaces tyrosine 340 with a stop codon.
Molecular consequence: nonsense. On other transcripts: non-coding transcript variant (1).
Genome position (GRCh38, 1-based): chr20:45,895,064, A duplicated. VCF-style (leftmost placement, unchanged base first): chr20-45895063-T-TA. GRCh37 (hg19) VCF-style: chr20-44523702-T-TA.
Other names: c.1019dup, p.Tyr340Ter (NM_001127695.3); c.968dup, p.Tyr323Ter (NM_001167594.3); short protein forms Y323*, Y340*.
Identifiers: ClinVar variation 2425514 (VCV002425514.7), dbSNP rs2515441270, ClinGen allele CA2580098258.

ClinVar aggregate classification (germline): Pathogenic/Likely pathogenic. Review status: criteria provided, multiple submitters, no conflicts (2 of 4 stars). 2 submissions from 2 submitters: Pathogenic (1); Likely pathogenic (1). Last evaluated 2024-05-17.

Conditions:
Combined deficiency of sialidase AND beta galactosidase (GSL). Also called: PPCA DEFICIENCY; PROTECTIVE PROTEIN/CATHEPSIN A DEFICIENCY; Galactosialidosis; CATHEPSIN A DEFICIENCY; GOLDBERG SYNDROME; NEURAMINIDASE DEFICIENCY WITH BETA-GALACTOSIDASE DEFICIENCY. Identifiers: Orphanet 351, MedGen C0268233, MONDO:0009737, OMIM 256540.

Submissions (2):

Fulgent Genetics
Classification: Likely pathogenic for Combined deficiency of sialidase AND beta galactosidase. Last evaluated: 2024-05-17. Review status: criteria provided, single submitter. Criteria: ACMG Guidelines, 2015. Collection method: clinical testing. Allele origin: germline.

Labcorp Genetics (formerly Invitae), Labcorp
Classification: Pathogenic for Combined deficiency of sialidase AND beta galactosidase. Last evaluated: 2022-08-16. Review status: criteria provided, single submitter. Criteria: Invitae Variant Classification Sherloc (09022015). Collection method: clinical testing. Allele origin: germline.
Comment: This sequence change creates a premature translational stop signal (p.Tyr358*) in the CTSA gene. It is expected to result in an absent or disrupted protein product. Loss-of-function variants in CTSA are known to be pathogenic (PMID: 15110321, 23915561). This variant is not present in population databases (gnomAD no frequency). This variant has not been reported in the literature in individuals affected with CTSA-related conditions. For these reasons, this variant has been classified as Pathogenic.

Literature cited by the submitters: PubMed 15110321 (cited by Labcorp Genetics (formerly Invitae), Labcorp); PubMed 23915561 (cited by Labcorp Genetics (formerly Invitae), Labcorp).